The following is an entry in ClinVar:

NM_004863.4(SPTLC2):c.*3812C>T

Gene: SPTLC2 (serine palmitoyltransferase long chain base subunit 2; minus strand). Cytogenetic location: 14q24.3.
Variant type: single nucleotide variant.
Coding change: c.*3812C>T on transcript NM_004863.4 (MANE Select); 3812 bases downstream of the stop codon, C replaced by T.
Molecular consequence: 3 prime UTR variant.
Genome position (GRCh38, 1-based): chr14:77,508,472, G>A on the plus strand (C>T on the coding strand, the complement: SPTLC2 is on the minus strand). VCF-style: chr14-77508472-G-A. GRCh37 (hg19) VCF-style: chr14-77974815-G-A.
Identifiers: ClinVar variation 314601 (VCV000314601.5), dbSNP rs74730673, ClinGen allele CA10645069.

ClinVar aggregate classification (germline): Benign (1 of 4 stars; one submission).

Conditions:
Neuropathy, hereditary sensory and autonomic, type 1C. Also called: HSAN IC; HSN IC. Identifiers: Orphanet 36386, MedGen C3150896, MONDO:0013337, OMIM 613640.

Allele frequency attached by ClinVar (database versions not stated): gnomAD 0.00873 and 0.00930; 1000 Genomes Project 0.00879; TOPMed 0.01000; 1000 Genomes Project 30x 0.01031.

Submission:

Illumina Laboratory Services, Illumina
Classification: Benign for Neuropathy, hereditary sensory and autonomic, type 1C. Last evaluated: 2018-01-13. Review status: criteria provided, single submitter. Criteria: ICSL Variant Classification Criteria 13 December 2019. Collection method: clinical testing. Allele origin: germline.
Comment: This variant was observed in the ICSL laboratory as part of a predisposition screen in an ostensibly healthy population. It had not been previously curated by ICSL or reported in the Human Gene Mutation Database (HGMD: prior to June 1st, 2018), and was therefore a candidate for classification through an automated scoring system. Utilizing variant allele frequency, disease prevalence and penetrance estimates, and inheritance mode, an automated score was calculated to assess if this variant is too frequent to cause the disease. Based on the score and internal cut-off values, a variant classified as benign is not then subjected to further curation. The score for this variant resulted in a classification of benign for this disease.